The following is an entry in ClinVar:

ClinVar aggregate classification (germline): Likely benign. Review status: criteria provided, multiple submitters, no conflicts (2 of 4 stars). 5 submissions from 4 submitters: Likely benign (5). Last evaluated 2026-01-08.

Conditions:
Developmental and epileptic encephalopathy, 14 (DEE14). Also called: Early infantile epileptic encephalopathy 14. Identifiers: Orphanet 293181, MedGen C3554195, MONDO:0013989, OMIM 614959.
Autosomal dominant nocturnal frontal lobe epilepsy 5. Also called: CILIARY DYSKINESIA, PRIMARY, 28, WITHOUT SITUS INVERSUS; CILIARY DYSKINESIA, PRIMARY, 28, WITH SITUS INVERSUS; Epilepsy, nocturnal frontal lobe, 5; KCNT1-Related Epilepsy. Identifiers: Orphanet 98784, MedGen C3554306, MONDO:0014002, OMIM 615005.

Allele frequency attached by ClinVar (database versions not stated): gnomAD 0.00001 and 0.00003; TOPMed 0.00005; ExAC 0.00006; gnomAD exomes 0.00007 and 0.00008.
gnomAD v4.1: 102 of 1,612,496 alleles (0.0063%); highest among the groups gnomAD compares: South Asian, 0.046%; 1 homozygote.

Submissions (5):

Labcorp Genetics (formerly Invitae), Labcorp
Classification: Likely benign for Autosomal dominant nocturnal frontal lobe epilepsy 5; Developmental and epileptic encephalopathy, 14. Last evaluated: 2026-01-08. Review status: criteria provided, single submitter. Criteria: Invitae Variant Classification Sherloc (09022015). Collection method: clinical testing. Allele origin: germline.

Blueprint Genetics
Classification: Likely benign. Last evaluated: 2024-06-17. Review status: criteria provided, single submitter. Criteria: ACMG Guidelines, 2015. Collection method: clinical testing. Allele origin: germline.

CeGaT Center for Human Genetics Tuebingen
Classification: Likely benign. Last evaluated: 2024-04-01. Review status: criteria provided, single submitter. Criteria: CeGaT Center For Human Genetics Tuebingen Variant Classification Criteria Version 2. Collection method: clinical testing. Allele origin: germline. Affected: yes. Observed: 3 variant alleles.
Comment: KCNT1: BP4, BP7

Genome-Nilou Lab
Classification: Likely benign for Developmental and epileptic encephalopathy, 14. Last evaluated: 2022-03-15. Review status: criteria provided, single submitter. Criteria: ACMG Guidelines, 2015. Collection method: clinical testing. Allele origin: germline. Affected: no.

Genome-Nilou Lab
Classification: Likely benign for Autosomal dominant nocturnal frontal lobe epilepsy 5. Last evaluated: 2022-03-15. Review status: criteria provided, single submitter. Criteria: ACMG Guidelines, 2015. Collection method: clinical testing. Allele origin: germline. Affected: no.

NM_020822.3(KCNT1):c.1746C>T (p.Tyr582=)

Gene: KCNT1 (potassium sodium-activated channel subfamily T member 1; plus strand). Cytogenetic location: 9q34.3.
Variant type: single nucleotide variant.
Coding change: c.1746C>T on transcript NM_020822.3 (MANE Select); coding-DNA position 1746, C replaced by T.
Protein change: p.Tyr582=; no amino-acid change (tyrosine 582 retained).
Molecular consequence: synonymous variant.
Genome position (GRCh38, 1-based): chr9:135,770,424, C>T. VCF-style: chr9-135770424-C-T. GRCh37 (hg19) VCF-style: chr9-138662270-C-T.
Other names: c.1611C>T, p.Tyr537= (NM_001272003.2).
Identifiers: ClinVar variation 699638 (VCV000699638.53), dbSNP rs763438119, ClinGen allele CA5327045.